The following is an entry in ClinVar:

ClinVar aggregate classification (germline): Uncertain significance (1 of 4 stars; one submission).

Conditions:
Joubert syndrome 21 (JBTS21). Identifiers: MedGen C3810212, MONDO:0014288, OMIM 615636.

Allele frequency attached by ClinVar (database versions not stated): ExAC 0.00001; gnomAD 0.00001; TOPMed 0.00002; ESP Exome Variant Server 0.00008.
gnomAD v4.1: 11 of 1,597,296 alleles (0.00069%); highest among the groups gnomAD compares: African/African-American, 0.0054%; no homozygotes.

Submission:

Labcorp Genetics (formerly Invitae), Labcorp
Classification: Uncertain significance for Joubert syndrome 21. Last evaluated: 2023-07-03. Review status: criteria provided, single submitter. Criteria: Invitae Variant Classification Sherloc (09022015). Collection method: clinical testing. Allele origin: germline.
Comment: This sequence change replaces arginine, which is basic and polar, with glutamine, which is neutral and polar, at codon 925 of the CSPP1 protein (p.Arg925Gln). This variant is present in population databases (rs377493480, gnomAD 0.007%). This missense change has been observed in individual(s) with an inherited retinal disorder (PMID: 32483926). ClinVar contains an entry for this variant (Variation ID: 1358304). Algorithms developed to predict the effect of missense changes on protein structure and function output the following: SIFT: "Not Available"; PolyPhen-2: "Benign"; Align-GVGD: "Not Available". The glutamine amino acid residue is found in multiple mammalian species, which suggests that this missense change does not adversely affect protein function. In summary, the available evidence is currently insufficient to determine the role of this variant in disease. Therefore, it has been classified as a Variant of Uncertain Significance.

Literature cited by the submitters: PubMed 32483926.

NM_001382391.1(CSPP1):c.2789G>A (p.Arg930Gln)

Gene: CSPP1 (centrosome and spindle pole associated protein 1; plus strand). Cytogenetic location: 8q13.2.
Variant type: single nucleotide variant.
Coding change: c.2789G>A on transcript NM_001382391.1 (MANE Select); coding-DNA position 2789, G replaced by A.
Protein change: p.Arg930Gln; replaces arginine 930 with glutamine.
Molecular consequence: missense variant.
Genome position (GRCh38, 1-based): chr8:67,164,469, G>A. VCF-style: chr8-67164469-G-A. GRCh37 (hg19) VCF-style: chr8-68076704-G-A.
Other names: c.1739G>A, p.Arg580Gln (NM_001291339.2); c.2708G>A, p.Arg903Gln (NM_001363131.2); c.2594G>A, p.Arg865Gln (NM_001363132.2); c.2513G>A, p.Arg838Gln (NM_001363133.2); c.2855G>A, p.Arg952Gln (NM_001364869.1); c.2675G>A, p.Arg892Gln (NM_001364870.1); c.2774G>A, p.Arg925Gln (NM_024790.7); short protein forms R892Q, R580Q, R838Q, R865Q, R903Q, R925Q, R930Q, R952Q.
Identifiers: ClinVar variation 1358304 (VCV001358304.6), dbSNP rs377493480, ClinGen allele CA4770946.